The following is an entry in ClinVar:

NM_014425.5(INVS):c.2719C>T (p.Arg907Ter)

Gene: INVS (inversin; plus strand). Cytogenetic location: 9q31.1.
Variant type: single nucleotide variant.
Coding change: c.2719C>T on transcript NM_014425.5 (MANE Select); coding-DNA position 2719, C replaced by T.
Protein change: p.Arg907Ter; replaces arginine 907 with a stop codon.
Molecular consequence: nonsense. On other transcripts: non-coding transcript variant (1).
Genome position (GRCh38, 1-based): chr9:100,292,976, C>T. VCF-style: chr9-100292976-C-T. GRCh37 (hg19) VCF-style: chr9-103055258-C-T.
Other names: c.2719C>T (NM_014425.4); c.2431C>T, p.Arg811Ter (NM_001318381.2); c.1741C>T, p.Arg581Ter (NM_001318382.2); short protein forms R907*, R581*, R811*.
Identifiers: ClinVar variation 11961 (VCV000011961.13), dbSNP rs267607185, ClinGen allele CA121811.
Genomic context (GRCh38, chr9:100,292,976, plus strand): 5'-CAGAGTGTGAATATTGACCTTCTCCCCGTAGAGCTCCGACTGCAGATAATTCAGAGAGAA[C>T]GAAGGAGGAAGGAGCTGTTTCGCAAAAAGAACAAGGCAGCAGCAGTCATCCAGCGCGCCT-3'

ClinVar aggregate classification (germline): Pathogenic. Review status: criteria provided, multiple submitters, no conflicts (2 of 4 stars). 8 submissions from 8 submitters: Pathogenic (6). 2 of the submissions do not count toward it. Last evaluated 2024-04-04.

Conditions:
INVS-related disorders.
INVS-related disorder. Also called: INVS-related condition.
Nephronophthisis. Also called: Juvenile Nephronophthisis. Identifiers: Orphanet 655, MedGen C0687120, MONDO:0019005, HP:0000090.
Infantile nephronophthisis (NPHP2). Also called: Nephronophthisis 2, infantile; Nephronophthisis 2. Identifiers: Orphanet 655, Orphanet 93591, MedGen C1865872, MONDO:0011190, OMIM 602088.

Allele frequency attached by ClinVar (database versions not stated): TOPMed 0.00001.
gnomAD v4.1: 26 of 1,613,542 alleles (0.0016%); highest among the groups gnomAD compares: South Asian, 0.0044%; no homozygotes.

Submissions (8):

Genomic Medicine Center of Excellence, King Faisal Specialist Hospital and Research Centre
Classification: Pathogenic for Infantile nephronophthisis. Last evaluated: 2024-04-04. Review status: criteria provided, single submitter. Criteria: ACMG Guidelines, 2015. Collection method: clinical testing. Allele origin: germline.

3billion
Classification: Pathogenic for Infantile nephronophthisis. Last evaluated: 2023-12-12. Review status: criteria provided, single submitter. Criteria: ACMG Guidelines, 2015. Collection method: clinical testing. Allele origin: germline. Affected: yes.
Comment: The variant is observed at an extremely low frequency in the gnomAD v2.1.1 dataset (total allele frequency: 0.002%). Predicted Consequence/Location: Stop-gained (nonsense): predicted to result in a loss or disruption of normal protein function through nonsense-mediated decay (NMD) or protein truncation. Multiple pathogenic variants are reported downstream of the variant. The variant has been reported at least twice as pathogenic without evidence for the classification (ClinVar ID: VCV000011961 /PMID: 12872123). Therefore, this variant is classified as Pathogenic according to the recommendation of ACMG/AMP guideline.

Labcorp Genetics (formerly Invitae), Labcorp
Classification: Pathogenic for Nephronophthisis. Last evaluated: 2023-10-16. Review status: criteria provided, single submitter. Criteria: Invitae Variant Classification Sherloc (09022015). Collection method: clinical testing. Allele origin: germline.
Comment: This sequence change creates a premature translational stop signal (p.Arg907*) in the INVS gene. It is expected to result in an absent or disrupted protein product. Loss-of-function variants in INVS are known to be pathogenic (PMID: 12872123). This variant is present in population databases (rs267607185, gnomAD 0.003%). This premature translational stop signal has been observed in individual(s) with nephronophthisis (PMID: 12872123, 16522655, 21866095). ClinVar contains an entry for this variant (Variation ID: 11961). For these reasons, this variant has been classified as Pathogenic.

Blueprint Genetics
Classification: Pathogenic for INVS-related disorders. Last evaluated: 2022-07-12. Review status: criteria provided, single submitter. Criteria: ACMG Guidelines, 2015. Collection method: clinical testing. Allele origin: germline. Affected: yes. Observed: 5 variant alleles.

Victorian Clinical Genetics Services, Murdoch Childrens Research Institute
Classification: Pathogenic for Infantile nephronophthisis. Last evaluated: 2022-03-31. Review status: criteria provided, single submitter. Criteria: ACMG Guidelines, 2015. Collection method: clinical testing. Allele origin: germline. Inheritance: Autosomal recessive inheritance. Affected: yes.
Comment: Based on the classification scheme VCGS_Germline_v1.3.4, this variant is classified as Pathogenic. Following criteria are met: 0102 - Loss of function is a known mechanism of disease in this gene and is associated with infantile nephronophthisis 2 (MIM#602088). (I) 0106 - This gene is associated with autosomal recessive disease. (I) 0201 - Variant is predicted to cause nonsense-mediated decay (NMD) and loss of protein (premature termination codon is located at least 54 nucleotides upstream of the final exon-exon junction). (SP) 0251 - This variant is heterozygous. (I) 0304 - Variant is present in gnomAD (v2) <0.01 for a recessive condition (4 heterozygotes, 0 homozygotes). (SP) 0701 - Other NMD-predicted variants comparable to the one identified in this case have very strong previous evidence for pathogenicity. These variants have been reported many times as pathogenic (DECIPHER). (SP) 0801 - This variant has strong previous evidence of pathogenicity in unrelated individuals. This variant has been reported in multiple homozygous and compound heterozygous families with end stage renal disease, renal cysts and infantile renal disease (ClinVar, PMID: 19177160, PMID: 12872123). (SP) 1102 - Strong phenotype match for this individual. (I) Legend: (SP) - Supporting pathogenic, (I) - Information, (SB) - Supporting benign

Kasturba Medical College, Manipal, Kasturba Medical College, Manipal, Manipal Academy of Higher Education, Manipal, India
Classification: Pathogenic for Infantile nephronophthisis. Review status: criteria provided, single submitter. Criteria: ACMG Guidelines, 2015. Collection method: research. Allele origin: germline. Inheritance: Autosomal recessive inheritance. Affected: yes.
Comment: This variant is present in 26 individuals in heterozygous state (allele frequency: 0.00001611) in the gnomAD (v4.1.0) population database. This variant is absent in our in-house database of 3709 exomes. The variant c.2719C>T is predicted to introduce premature termination codon, which may either trigger nonsense-mediated mRNA decay or result in a truncated protein product.

PreventionGenetics, part of Exact Sciences
Classification: Pathogenic for INVS-related condition. Last evaluated: 2024-05-29. Review status: no assertion criteria provided. Collection method: clinical testing. Allele origin: germline. Not counted in ClinVar's aggregate classification.
Comment: The INVS c.2719C>T variant is predicted to result in premature protein termination (p.Arg907*). This variant was reported in homozygous and compound heterozygous states in multiple individuals with Nephronophthisis 2 (Otto et al. 2003. PubMed ID: 12872123; O'Toole et al. 2006. PubMed ID: 16522655; Chaki et al. 2011. PubMed ID: 21866095; Tory et al. 2009. PubMed ID: 19177160). This variant is reported in 0.0033% of alleles in individuals of South Asian descent in gnomAD. Loss-of-function variants in INVS, like this nonsense change, are expected to be pathogenic. This variant is interpreted as pathogenic.

OMIM
Classification: Pathogenic for NEPHRONOPHTHISIS 2. Last evaluated: 2009-04-01. Review status: no assertion criteria provided. Collection method: literature only. Allele origin: germline. Not counted in ClinVar's aggregate classification.

Literature cited by the submitters: PubMed 12872123 (cited by 4 submitters); PubMed 16522655 (cited by Labcorp Genetics (formerly Invitae), Labcorp); PubMed 21866095 (cited by Labcorp Genetics (formerly Invitae), Labcorp); PubMed 19177160 (cited by 3 submitters).